The following is an entry in ClinVar:

NM_018076.5(ODAD2):c.245AAG[1] (p.Glu83del)

Gene: ODAD2 (outer dynein arm docking complex subunit 2; minus strand). Cytogenetic location: 10p12.1.
Variant type: Microsatellite.
Coding change: c.245AAG[1] on transcript NM_018076.5 (MANE Select); one copy of the 3-base unit AAG starting at c.245; the reference has two copies in a row; one copy, 3 bases deleted.
Protein change: p.Glu83del; deletes glutamic acid 83.
Genome position (GRCh38, 1-based): chr10:27,987,518-27,987,520, CTT deleted on the plus strand (AAG on the coding strand, the reverse complement: ODAD2 is on the minus strand); deleting any 3 consecutive bases within chr10:27,987,518-27,987,525 gives the same sequence; the position shown is the placement nearest the transcript's 3' end. VCF-style (leftmost placement, unchanged base first): chr10-27987517-ACTT-A. GRCh37 (hg19) VCF-style: chr10-28276446-ACTT-A.
Other names: c.245AAG[1], p.Glu83del (NM_001290020.2); short protein forms E83del.
Identifiers: ClinVar variation 3718321 (VCV003718321.2).

ClinVar aggregate classification (germline): Uncertain significance (1 of 4 stars; one submission).

Conditions:
Primary ciliary dyskinesia 23 (CILD23). Also called: CILIARY DYSKINESIA, PRIMARY, 23, WITH OR WITHOUT SITUS INVERSUS. Identifiers: Orphanet 244, MedGen C3809548, MONDO:0014193, OMIM 615451.

Submission:

Labcorp Genetics (formerly Invitae), Labcorp
Classification: Uncertain significance for Primary ciliary dyskinesia 23. Last evaluated: 2024-11-09. Review status: criteria provided, single submitter. Criteria: Invitae Variant Classification Sherloc (09022015). Collection method: clinical testing. Allele origin: germline.
Comment: This variant, c.248_250del, results in the deletion of 1 amino acid(s) of the ARMC4 protein (p.Glu83del), but otherwise preserves the integrity of the reading frame. This variant is present in population databases (no rsID available, gnomAD 0.006%). This variant has not been reported in the literature in individuals affected with ARMC4-related conditions. Algorithms developed to predict the effect of sequence changes on RNA splicing suggest that this variant may disrupt the consensus splice site. In summary, the available evidence is currently insufficient to determine the role of this variant in disease. Therefore, it has been classified as a Variant of Uncertain Significance.